The following is an entry in ClinVar:

NM_194248.3(OTOF):c.4033CAA[1] (p.Gln1346del)

Gene: OTOF (otoferlin; minus strand). Cytogenetic location: 2p23.3.
Variant type: Microsatellite.
Coding change: c.4033CAA[1] on transcript NM_194248.3 (MANE Select); one copy of the 3-base unit CAA starting at c.4033; the reference has two copies in a row; one copy, 3 bases deleted.
Protein change: p.Gln1346del; deletes glutamine 1346.
Molecular consequence: inframe deletion.
Genome position (GRCh38, 1-based): chr2:26,468,460-26,468,462, TTG deleted on the plus strand (CAA on the coding strand, the reverse complement: OTOF is on the minus strand); deleting any 3 consecutive bases within chr2:26,468,460-26,468,466 gives the same sequence; the position shown is the placement nearest the transcript's 3' end. VCF-style (leftmost placement, unchanged base first): chr2-26468459-CTTG-C. GRCh37 (hg19) VCF-style: chr2-26691327-CTTG-C.
Other names: c.4036_4038del (NM_001287489.2); c.4033CAA[1], p.Gln1346del (NM_001287489.2); c.1732CAA[1], p.Gln579del (NM_004802.4, NM_194323.3); c.1963CAA[1], p.Gln656del (NM_194322.3); short protein forms Q1346del, Q579del, Q656del.
Identifiers: ClinVar variation 2582735 (VCV002582735.2), dbSNP rs745409177, ClinGen allele CA1563312.

ClinVar aggregate classification (germline): Uncertain significance. Review status: criteria provided, single submitter (1 of 4 stars). 2 submissions from 2 submitters: Uncertain significance (1). 1 of the submissions does not count toward it. Last evaluated 2026-04-24.

Conditions:
Autosomal recessive nonsyndromic hearing loss 9. Also called: OTOF-Related Hearing Loss; AUDITORY NEUROPATHY, AUTOSOMAL RECESSIVE, 1, TEMPERATURE-SENSITIVE; Deafness, autosomal recessive 9; NEUROSENSORY NONSYNDROMIC RECESSIVE DEAFNESS 9. Identifiers: Orphanet 90636, MedGen C1832828, MONDO:0010986, OMIM 601071.

Submissions (2):

GeneDx
Classification: Uncertain significance. Last evaluated: 2026-04-24. Review status: criteria provided, single submitter. Criteria: GeneDx Variant Classification Process June 2021. Collection method: clinical testing. Allele origin: germline.
Comment: In-frame deletion of 1 amino acid in a non-repeat region; In silico analysis supports a deleterious effect on protein structure/function; In silico analysis is inconclusive as to whether the variant alters gene splicing. In the absence of RNA/functional studies, the actual effect of this sequence change is unknown.; Has not been previously published as pathogenic or benign to our knowledge

Zotz-Klimas Genetics Lab, MVZ Zotz Klimas
Classification: Uncertain significance for Autosomal recessive nonsyndromic hearing loss 9. Last evaluated: 2023-10-09. Review status: no assertion criteria provided. Collection method: clinical testing. Allele origin: germline. Affected: yes. Not counted in ClinVar's aggregate classification.